The following is an entry in ClinVar:

NM_144997.7(FLCN):c.348G>C (p.Gln116His)

Gene: FLCN (folliculin; minus strand). Cytogenetic location: 17p11.2.
Variant type: single nucleotide variant.
Coding change: c.348G>C on transcript NM_144997.7 (MANE Select); coding-DNA position 348, G replaced by C.
Protein change: p.Gln116His; replaces glutamine 116 with histidine.
Molecular consequence: missense variant.
Genome position (GRCh38, 1-based): chr17:17,226,224, C>G on the plus strand (G>C on the coding strand, the complement: FLCN is on the minus strand). VCF-style: chr17-17226224-C-G. GRCh37 (hg19) VCF-style: chr17-17129538-C-G.
Other names: c.348G>C, p.Gln116His (NM_001353229.2, NM_001353230.2, NM_001353231.2 and 1 more transcripts); short protein forms Q116H.
Identifiers: ClinVar variation 2818831 (VCV002818831.3), dbSNP rs2544280747, ClinGen allele CA398534781.

ClinVar aggregate classification (germline): Uncertain significance (1 of 4 stars; one submission).

Conditions:
Birt-Hogg-Dube syndrome. Also called: Birt Hogg Dubé syndrome. Identifiers: Orphanet 122, MedGen C0346010, MONDO:0800444.

Submission:

Labcorp Genetics (formerly Invitae), Labcorp
Classification: Uncertain significance for Birt-Hogg-Dube syndrome. Last evaluated: 2022-12-05. Review status: criteria provided, single submitter. Criteria: Invitae Variant Classification Sherloc (09022015). Collection method: clinical testing. Allele origin: germline.
Comment: In summary, the available evidence is currently insufficient to determine the role of this variant in disease. Therefore, it has been classified as a Variant of Uncertain Significance. Advanced modeling of protein sequence and biophysical properties (such as structural, functional, and spatial information, amino acid conservation, physicochemical variation, residue mobility, and thermodynamic stability) performed at Invitae indicates that this missense variant is not expected to disrupt FLCN protein function. This variant has not been reported in the literature in individuals affected with FLCN-related conditions. This variant is not present in population databases (gnomAD no frequency). This sequence change replaces glutamine, which is neutral and polar, with histidine, which is basic and polar, at codon 116 of the FLCN protein (p.Gln116His).